The following is an entry in ClinVar:

ClinVar aggregate classification (germline): Uncertain significance. Review status: criteria provided, multiple submitters, no conflicts (2 of 4 stars). 2 submissions from 2 submitters: Uncertain significance (2). Last evaluated 2025-08-19.

Conditions:
Inborn genetic diseases. Identifiers: MedGen C0950123, MeSH D030342.

Allele frequency attached by ClinVar (database versions not stated): gnomAD exomes below 0.00001; TOPMed 0.00003.
gnomAD v4.1: 3 of 1,614,186 alleles (0.00019%); highest among the groups gnomAD compares: African/African-American, 0.0013%; no homozygotes.

Submissions (2):

Labcorp Genetics (formerly Invitae), Labcorp
Classification: Uncertain significance. Last evaluated: 2025-08-19. Review status: criteria provided, single submitter. Criteria: Invitae Variant Classification Sherloc (09022015). Collection method: clinical testing. Allele origin: germline.
Comment: This sequence change replaces alanine, which is neutral and non-polar, with threonine, which is neutral and polar, at codon 302 of the VCAN protein (p.Ala302Thr). This variant is present in population databases (no rsID available, gnomAD 0.007%). This variant has not been reported in the literature in individuals affected with VCAN-related conditions. ClinVar contains an entry for this variant (Variation ID: 971965). An algorithm developed to predict the effect of missense changes on protein structure and function (PolyPhen-2) suggests that this variant is likely to be disruptive. In summary, the available evidence is currently insufficient to determine the role of this variant in disease. Therefore, it has been classified as a Variant of Uncertain Significance.

Ambry Genetics
Classification: Uncertain significance for Inborn genetic diseases. Last evaluated: 2024-04-08. Review status: criteria provided, single submitter. Criteria: Ambry Variant Classification Scheme 2023. Collection method: clinical testing. Allele origin: germline.

NM_004385.5(VCAN):c.904G>A (p.Ala302Thr)

Gene: VCAN (versican; plus strand). Cytogenetic location: 5q14.3.
Variant type: single nucleotide variant.
Coding change: c.904G>A on transcript NM_004385.5 (MANE Select); coding-DNA position 904, G replaced by A.
Protein change: p.Ala302Thr; replaces alanine 302 with threonine.
Molecular consequence: missense variant.
Genome position (GRCh38, 1-based): chr5:83,512,258, G>A. VCF-style: chr5-83512258-G-A. GRCh37 (hg19) VCF-style: chr5-82808077-G-A.
Other names: c.904G>A, p.Ala302Thr (NM_001126336.3, NM_001164097.2, NM_001164098.2); short protein forms A302T.
Identifiers: ClinVar variation 971965 (VCV000971965.11), dbSNP rs1390828833, ClinGen allele CA360298161.